The following is an entry in ClinVar:

ClinVar aggregate classification (germline): Benign/Likely benign. Review status: criteria provided, multiple submitters, no conflicts (2 of 4 stars). 5 submissions from 5 submitters: Benign (2); Likely benign (3). Last evaluated 2026-02-02.

Conditions:
LIAS-related disorder. Also called: LIAS-related condition.
Lipoic acid synthetase deficiency. Also called: HYPERGLYCINEMIA, LACTIC ACIDOSIS, AND SEIZURES. Identifiers: Orphanet 401859, MedGen C3280887, MONDO:0013762, OMIM 614462.

Allele frequency attached by ClinVar (database versions not stated): 1000 Genomes Project 0.00040; TOPMed 0.00079; gnomAD exomes 0.00109 and 0.00138; ESP Exome Variant Server 0.00123; gnomAD 0.00145 and 0.00149; ExAC 0.00177.
gnomAD v4.1: 1,831 of 1,610,268 alleles (0.11%); highest among the groups gnomAD compares: Non-Finnish European, 0.12%; 9 homozygotes.

Submissions (5):

Labcorp Genetics (formerly Invitae), Labcorp
Classification: Benign for Lipoic acid synthetase deficiency. Last evaluated: 2026-02-02. Review status: criteria provided, single submitter. Criteria: Invitae Variant Classification Sherloc (09022015). Collection method: clinical testing. Allele origin: germline.

CeGaT Center for Human Genetics Tuebingen
Classification: Likely benign. Last evaluated: 2026-01-01. Review status: criteria provided, single submitter. Criteria: CeGaT Center For Human Genetics Tuebingen Variant Classification Criteria Version 2. Collection method: clinical testing. Allele origin: germline. Affected: yes. Observed: 5 variant alleles.
Comment: LIAS: BP4

PreventionGenetics, part of Exact Sciences
Classification: Likely benign for LIAS-related condition. Last evaluated: 2025-12-18. Review status: criteria provided, single submitter. Criteria: ACMG Guidelines, 2015. Collection method: clinical testing. Allele origin: germline.
Comment: This variant is classified as likely benign based on ACMG/AMP sequence variant interpretation guidelines (Richards et al. 2015 PMID: 25741868, with internal and published modifications).

Blueprint Genetics
Classification: Likely benign. Last evaluated: 2024-11-26. Review status: criteria provided, single submitter. Criteria: ACMG Guidelines, 2015. Collection method: clinical testing. Allele origin: germline.

Breakthrough Genomics
Classification: Benign. Review status: criteria provided, single submitter. Criteria: ACMG Guidelines, 2015. Collection method: not provided. Allele origin: germline. Inheritance: Autosomal recessive inheritance. Affected: yes.

NM_006859.4(LIAS):c.393+8C>A

Gene: LIAS (lipoic acid synthetase; plus strand). Cytogenetic location: 4p14.
Variant type: single nucleotide variant.
Coding change: c.393+8C>A on transcript NM_006859.4 (MANE Select); 8 bases into the intron after coding-DNA position 393, C replaced by A.
Molecular consequence: intron variant. On other transcripts: missense variant (1), 3 prime UTR variant (1).
Genome position (GRCh38, 1-based): chr4:39,463,613, C>A. VCF-style: chr4-39463613-C-A. GRCh37 (hg19) VCF-style: chr4-39465233-C-A.
Other names: c.401C>A (NM_001278591.1); c.401C>A, p.Pro134Gln (NM_001278591.2); c.*4C>A (NM_001278592.2); c.393+8C>A (NM_194451.3, NM_001278590.2); c.299+8C>A (NM_001363700.2); short protein forms P134Q.
Identifiers: ClinVar variation 206036 (VCV000206036.45), dbSNP rs201574806, ClinGen allele CA315733.